The following is an entry in ClinVar:

ClinVar aggregate classification (germline): Uncertain significance (1 of 4 stars; one submission).

Conditions:
Glycogen storage disease due to muscle beta-enolase deficiency (GSD13). Also called: ENOLASE 3 DEFICIENCY; ENOLASE-BETA DEFICIENCY; GSD XIII; Glycogen Storage Disease Type XIII. Identifiers: Orphanet 99849, MedGen C2752027, MONDO:0013046, OMIM 612932.

Allele frequency attached by ClinVar (database versions not stated): gnomAD exomes 0.00001; ExAC 0.00002; gnomAD 0.00007; TOPMed 0.00008.
gnomAD v4.1: 24 of 1,614,112 alleles (0.0015%); highest among the groups gnomAD compares: African/African-American, 0.031%; no homozygotes.

Submission:

Labcorp Genetics (formerly Invitae), Labcorp
Classification: Uncertain significance for Glycogen storage disease due to muscle beta-enolase deficiency. Last evaluated: 2022-11-01. Review status: criteria provided, single submitter. Criteria: Invitae Variant Classification Sherloc (09022015). Collection method: clinical testing. Allele origin: germline.
Comment: In summary, the available evidence is currently insufficient to determine the role of this variant in disease. Therefore, it has been classified as a Variant of Uncertain Significance. Experimental studies and prediction algorithms are not available or were not evaluated, and the functional significance of this variant is currently unknown. This variant has not been reported in the literature in individuals affected with ENO3-related conditions. This variant is present in population databases (rs776238721, gnomAD 0.05%). This sequence change creates a premature translational stop signal (p.Tyr407*) in the ENO3 gene. While this is not anticipated to result in nonsense mediated decay, it is expected to disrupt the last 28 amino acid(s) of the ENO3 protein.

NM_053013.4(ENO3):c.1221C>A (p.Tyr407Ter)

Gene: ENO3 (enolase 3; plus strand). Cytogenetic location: 17p13.2.
Variant type: single nucleotide variant.
Coding change: c.1221C>A on transcript NM_053013.4 (MANE Select); coding-DNA position 1221, C replaced by A.
Protein change: p.Tyr407Ter; replaces tyrosine 407 with a stop codon.
Molecular consequence: nonsense.
Genome position (GRCh38, 1-based): chr17:4,956,875, C>A. VCF-style: chr17-4956875-C-A. GRCh37 (hg19) VCF-style: chr17-4860170-C-A.
Other names: c.1092C>A, p.Tyr364Ter (NM_001193503.2); c.1221C>A, p.Tyr407Ter (NM_001374523.1, NM_001976.5); c.1248C>A, p.Tyr416Ter (NM_001374524.1); short protein forms Y364*, Y416*, Y407*.
Identifiers: ClinVar variation 2149350 (VCV002149350.2), dbSNP rs776238721, ClinGen allele CA8316606.